The following is an entry in ClinVar:

NM_015602.4(TOR1AIP1):c.360G>T (p.Glu120Asp)

Genes: TOR1AIP1 (torsin 1A interacting protein 1; plus strand), LOC112577517 (Sharpr-MPRA regulatory region 13766; plus strand). Cytogenetic location: 1q25.2.
Variant type: single nucleotide variant.
Coding change: c.360G>T on transcript NM_015602.4 (MANE Select); coding-DNA position 360, G replaced by T.
Protein change: p.Glu120Asp; replaces glutamic acid 120 with aspartic acid.
Molecular consequence: missense variant.
Genome position (GRCh38, 1-based): chr1:179,882,862, G>T. VCF-style: chr1-179882862-G-T. GRCh37 (hg19) VCF-style: chr1-179851997-G-T.
Other names: c.360G>T, p.Glu120Asp (NM_001267578.2); short protein forms E120D.
Identifiers: ClinVar variation 2183009 (VCV002183009.1), dbSNP rs567144425, ClinGen allele CA1268726.

ClinVar aggregate classification (germline): Uncertain significance (1 of 4 stars; one submission).

Conditions:
Autosomal recessive limb-girdle muscular dystrophy type 2Y (MRRSDC). Also called: Muscular dystrophy, autosomal recessive, with rigid spine and distal joint contractures; Muscular dystrophy, limb-girdle, type 2y. Identifiers: Orphanet 424261, MedGen C4511482, MONDO:0014900, OMIM 617072.

Allele frequency attached by ClinVar (database versions not stated): ExAC 0.00002; 1000 Genomes Project 0.00040; 1000 Genomes Project 30x 0.00047.
gnomAD v4.1: 4 of 1,614,208 alleles (0.00025%); highest among the groups gnomAD compares: African/African-American, 0.0053%; no homozygotes.

Submission:

Labcorp Genetics (formerly Invitae), Labcorp
Classification: Uncertain significance for Autosomal recessive limb-girdle muscular dystrophy type 2Y. Last evaluated: 2022-07-15. Review status: criteria provided, single submitter. Criteria: Invitae Variant Classification Sherloc (09022015). Collection method: clinical testing. Allele origin: germline.
Comment: This sequence change replaces glutamic acid, which is acidic and polar, with aspartic acid, which is acidic and polar, at codon 120 of the TOR1AIP1 protein (p.Glu120Asp). The frequency data for this variant in the population databases is considered unreliable, as metrics indicate poor data quality at this position in the gnomAD database. This variant has not been reported in the literature in individuals affected with TOR1AIP1-related conditions. Algorithms developed to predict the effect of missense changes on protein structure and function are either unavailable or do not agree on the potential impact of this missense change (SIFT: "Tolerated"; PolyPhen-2: "Possibly Damaging"; Align-GVGD: "Class C0"). In summary, the available evidence is currently insufficient to determine the role of this variant in disease. Therefore, it has been classified as a Variant of Uncertain Significance.